The following is an entry in ClinVar:

ClinVar aggregate classification (germline): Pathogenic (1 of 4 stars; one submission).

Conditions:
Hereditary cancer-predisposing syndrome. Also called: Neoplastic Syndromes, Hereditary; Tumor predisposition; Hereditary Cancer Syndrome; Hereditary neoplastic syndrome. Identifiers: Orphanet 140162, MedGen C0027672, MeSH D009386, MONDO:0015356.

Submission:

Ambry Genetics
Classification: Pathogenic for Hereditary cancer-predisposing syndrome. Last evaluated: 2026-01-09. Review status: criteria provided, single submitter. Criteria: Ambry Variant Classification Scheme 2023. Collection method: clinical testing. Allele origin: germline.
Comment: The c.1772_1775delTAAG pathogenic mutation, located in coding exon 9 of the BRCA1 gene, results from a deletion of 4 nucleotides at nucleotide positions 1772 to 1775, causing a translational frameshift with a predicted alternate stop codon (p.I591Tfs*7). This variant is considered to be rare based on population cohorts in the Genome Aggregation Database (gnomAD). This alteration is expected to result in loss of function by premature protein truncation or nonsense-mediated mRNA decay. As such, this alteration is interpreted as a disease-causing mutation.

NM_007294.4(BRCA1):c.1772_1775del (p.Ile591fs)

Gene: BRCA1 (BRCA1 DNA repair associated; minus strand). Cytogenetic location: 17q21.31.
Variant type: Deletion.
Coding change: c.1772_1775del on transcript NM_007294.4 (MANE Select); coding-DNA positions 1772 to 1775, 4 bases deleted (TAAG; older notation c.1772_1775delTAAG).
Protein change: p.Ile591fs; shifts the reading frame from isoleucine 591.
Molecular consequence: frameshift variant. On other transcripts: intron variant (137).
Genome position (GRCh38, 1-based): chr17:43,093,756-43,093,759, CTTA deleted on the plus strand (TAAG on the coding strand, the reverse complement: BRCA1 is on the minus strand). VCF-style (leftmost placement, unchanged base first): chr17-43093755-GCTTA-G. GRCh37 (hg19) VCF-style: chr17-41245772-GCTTA-G.
Other names: c.1628_1631del, p.Ile543fs (NM_001407838.1, NM_001407839.1, NM_001407841.1 and 20 more transcripts); c.1559_1562del, p.Ile520fs (NM_001407899.1, NM_001407898.1, NM_001407571.1 and 9 more transcripts); c.1562_1565del, p.Ile521fs (NM_001407900.1, NM_001407902.1, NM_001407904.1 and 13 more transcripts); c.1508_1511del, p.Ile503fs (NM_001407923.1, NM_001407924.1, NM_001407925.1 and 9 more transcripts); c.1505_1508del, p.Ile502fs (NM_001407930.1, NM_001407931.1, NM_001407932.1 and 2 more transcripts); c.1646_1649del, p.Ile549fs (NM_001407941.1, NM_001407673.1, NM_001407691.1 and 11 more transcripts); c.1631_1634del, p.Ile544fs (NM_001407942.1, NM_001407944.1, NM_001407945.1 and 29 more transcripts); c.1439_1442del, p.Ile480fs (NM_001407946.1, NM_001407947.1, NM_001407948.1 and 6 more transcripts); and 40 more; short protein forms I295fs, I502fs, I550fs, I564fs, I590fs, I464fs, I503fs, I544fs.
Identifiers: ClinVar variation 4842663 (VCV004842663.1).